The following is an entry in ClinVar:

NM_001363810.1(VMA21):c.124T>A (p.Ser42Thr)

Gene: VMA21 (vacuolar ATPase assembly factor VMA21; plus strand). Cytogenetic location: Xq28.
Variant type: single nucleotide variant.
Coding change: c.124T>A on transcript NM_001363810.1; coding-DNA position 124, T replaced by A.
Protein change: p.Ser42Thr; replaces serine 42 with threonine.
Molecular consequence: missense variant.
Genome position (GRCh38, 1-based): chrX:151,396,963, T>A. VCF-style: chrX-151396963-T-A. GRCh37 (hg19) VCF-style: chrX-150565435-T-A.
Other names: short protein forms S42T.
Identifiers: ClinVar variation 4997077 (VCV004997077.1).
Genomic context (GRCh38, chrX:151,396,963, plus strand): 5'-CGCGAGTTCAGGGGGCGGCGTAGCCGCCGCCCGCCCAGGAGGACCATGTTGCGCGGCAAG[T>A]CCCGGCTCAACGTGGAGTGGCTGGGCTACTCGCCAGGCCTGCTCCTCGAGCACAGGCCCC-3'

ClinVar aggregate classification (germline): Uncertain significance (1 of 4 stars; one submission).

Conditions:
VMA21-related disorder. Also called: VMA21-related condition.

gnomAD v4.1: 2 of 521,549 alleles (0.00038%); highest among the groups gnomAD compares: African/African-American, 0.0023%; no homozygotes.

Submission:

PreventionGenetics, part of Exact Sciences
Classification: Uncertain significance for VMA21-related condition. Last evaluated: 2025-06-19. Review status: criteria provided, single submitter. Criteria: ACMG Guidelines, 2015. Collection method: clinical testing. Allele origin: germline.
Comment: The VMA21 c.124T>A variant is predicted to result in the amino acid substitution p.Ser42Thr. To our knowledge, this variant has not been reported in the literature or in a large population database (gnomAD), indicating this variant is rare. At this time, the clinical significance of this variant is uncertain due to the absence of conclusive functional and genetic evidence.